The following is an entry in ClinVar:

ClinVar aggregate classification (germline): Likely benign (1 of 4 stars; one submission).

Submission:

CeGaT Center for Human Genetics Tuebingen
Classification: Likely benign. Last evaluated: 2026-08-01. Review status: criteria provided, single submitter. Criteria: CeGaT Center For Human Genetics Tuebingen Variant Classification Criteria Version 2. Collection method: clinical testing. Allele origin: germline. Affected: yes. Observed: 1 variant allele.
Comment: PAFAH1B2: BP4, BP7

NM_002572.4(PAFAH1B2):c.495G>A (p.Pro165=)

Gene: PAFAH1B2 (platelet activating factor acetylhydrolase 1b catalytic subunit 2; plus strand). Cytogenetic location: 11q23.3.
Variant type: single nucleotide variant.
Coding change: c.495G>A on transcript NM_002572.4 (MANE Select); coding-DNA position 495, G replaced by A.
Protein change: p.Pro165=; no amino-acid change (proline 165 retained).
Molecular consequence: synonymous variant. On other transcripts: non-coding transcript variant (1), intron variant (3).
Genome position (GRCh38, 1-based): chr11:117,167,504, G>A. VCF-style: chr11-117167504-G-A. GRCh37 (hg19) VCF-style: chr11-117038220-G-A.
Other names: c.351G>A, p.Pro117= (NM_001309431.2); c.411+3612G>A (NM_001184746.2, NM_001184747.2); c.393+3630G>A (NM_001184748.2).
Identifiers: ClinVar variation 5038549 (VCV005038549.1).